The following is an entry in ClinVar:

ClinVar aggregate classification (germline): Uncertain significance (1 of 4 stars; one submission).

Submission:

GeneDx
Classification: Uncertain significance. Last evaluated: 2024-07-11. Review status: criteria provided, single submitter. Criteria: GeneDx Variant Classification Process June 2021. Collection method: clinical testing. Allele origin: germline. Affected: yes.
Comment: In-frame deletion of 1 amino acid in a non-repeat region; Not observed at significant frequency in large population cohorts (gnomAD); In silico analysis indicates that this variant does not alter protein structure/function; Has not been previously published as pathogenic or benign to our knowledge

NM_016333.4(SRRM2):c.7194ACC[1] (p.Pro2400del)

Gene: SRRM2 (serine/arginine repetitive matrix 2; plus strand). Cytogenetic location: 16p13.3.
Variant type: Microsatellite.
Coding change: c.7194ACC[1] on transcript NM_016333.4 (MANE Select); one copy of the 3-base unit ACC starting at c.7194; the reference has two copies in a row; one copy, 3 bases deleted.
Protein change: p.Pro2400del; deletes proline 2400.
Genome position (GRCh38, 1-based): chr16:2,767,725-2,767,727, ACC deleted; deleting any 3 consecutive bases within chr16:2,767,721-2,767,727 gives the same sequence; the position shown is the placement nearest the transcript's 3' end. VCF-style (leftmost placement, unchanged base first): chr16-2767720-TCAC-T. GRCh37 (hg19) VCF-style: chr16-2817721-TCAC-T.
Other names: short protein forms P2400del.
Identifiers: ClinVar variation 3572722 (VCV003572722.1).